The following is an entry in ClinVar:

ClinVar aggregate classification (germline): Uncertain significance (1 of 4 stars; one submission).

Conditions:
Bethlem myopathy 1A. Also called: MYOPATHY, BENIGN CONGENITAL, WITH CONTRACTURES; Bethlem myopathy 1; Bethlem Muscular Dystrophy. Identifiers: Orphanet 610, MedGen CN029274, MONDO:0024530, OMIM 158810.

gnomAD v4.1: 4 of 1,614,088 alleles (0.00025%); highest among the groups gnomAD compares: African/African-American, 0.004%; no homozygotes.

Submission:

Labcorp Genetics (formerly Invitae), Labcorp
Classification: Uncertain significance for Bethlem myopathy 1A. Last evaluated: 2025-12-02. Review status: criteria provided, single submitter. Criteria: Invitae Variant Classification Sherloc (09022015). Collection method: clinical testing. Allele origin: germline.
Comment: This sequence change replaces arginine, which is basic and polar, with isoleucine, which is neutral and non-polar, at codon 2298 of the COL6A3 protein (p.Arg2298Ile). This variant is not present in population databases (gnomAD no frequency). This variant has not been reported in the literature in individuals affected with COL6A3-related conditions. ClinVar contains an entry for this variant (Variation ID: 3673500). Invitae Evidence Modeling of protein sequence and biophysical properties (such as structural, functional, and spatial information, amino acid conservation, physicochemical variation, residue mobility, and thermodynamic stability) indicates that this missense variant is expected to disrupt COL6A3 protein function with a positive predictive value of 80%. In summary, the available evidence is currently insufficient to determine the role of this variant in disease. Therefore, it has been classified as a Variant of Uncertain Significance.

NM_004369.4(COL6A3):c.6893G>T (p.Arg2298Ile)

Gene: COL6A3 (collagen type VI alpha 3 chain; minus strand). Cytogenetic location: 2q37.3.
Variant type: single nucleotide variant.
Coding change: c.6893G>T on transcript NM_004369.4 (MANE Select); coding-DNA position 6893, G replaced by T.
Protein change: p.Arg2298Ile; replaces arginine 2298 with isoleucine.
Molecular consequence: missense variant.
Genome position (GRCh38, 1-based): chr2:237,348,650, C>A on the plus strand (G>T on the coding strand, the complement: COL6A3 is on the minus strand). VCF-style: chr2-237348650-C-A. GRCh37 (hg19) VCF-style: chr2-238257293-C-A.
Other names: c.5072G>T, p.Arg1691Ile (NM_057166.5); c.6275G>T, p.Arg2092Ile (NM_057167.4); short protein forms R1691I, R2092I, R2298I.
Identifiers: ClinVar variation 3673500 (VCV003673500.2).